The following is an entry in ClinVar:

ClinVar aggregate classification (germline): Uncertain significance (1 of 4 stars; one submission).

Submission:

GeneDx
Classification: Uncertain significance. Last evaluated: 2017-01-04. Review status: criteria provided, single submitter. Criteria: GeneDx Variant Classification (06012015). Collection method: clinical testing. Allele origin: germline. Affected: yes.
Comment: A variant of uncertain significance has been identified in the ALDH18A1 gene. The c.1622_1624delAAG variant has not been published as a pathogenic variant, nor has it been reported as a benign variant to our knowledge. The c.1622_1624delAAG variant was not observed in approximately 6,500 individuals of European and African American ancestry in the NHLBI Exome Sequencing Project, indicating it is not a common benign variant in these populations. The c.1622_1624delAAG variant results in the deletion of a Glutamic acid residue at codon 541 in the ALDH18A1 gene. However, as this is an in-frame deletion, it is not expected to result in either an abnormal, truncated protein product or loss of protein from this allele through nonsense-mediated mRNA decay. Therefore, based on the currently available information, it is unclear whether this variant is pathogenic or rare benign.

NM_002860.4(ALDH18A1):c.1619AAG[1] (p.Glu541del)

Gene: ALDH18A1 (aldehyde dehydrogenase 18 family member A1; minus strand). Cytogenetic location: 10q24.1.
Variant type: Microsatellite.
Coding change: c.1619AAG[1] on transcript NM_002860.4 (MANE Select); one copy of the 3-base unit AAG starting at c.1619; the reference has two copies in a row; one copy, 3 bases deleted.
Protein change: p.Glu541del; deletes glutamic acid 541.
Molecular consequence: inframe deletion.
Genome position (GRCh38, 1-based): chr10:95,614,143-95,614,145, CTT deleted on the plus strand (AAG on the coding strand, the reverse complement: ALDH18A1 is on the minus strand); deleting any 3 consecutive bases within chr10:95,614,143-95,614,150 gives the same sequence; the position shown is the placement nearest the transcript's 3' end. VCF-style (leftmost placement, unchanged base first): chr10-95614142-ACTT-A. GRCh37 (hg19) VCF-style: chr10-97373899-ACTT-A.
Other names: c.1613AAG[1], p.Glu539del (NM_001017423.2, NM_001323415.2); c.1286AAG[1], p.Glu430del (NM_001323412.2, NM_001323416.2); c.1619AAG[1], p.Glu541del (NM_001323413.2, NM_001323414.2); c.1514AAG[1], p.Glu506del (NM_001323417.2); c.1280AAG[1], p.Glu428del (NM_001323418.2); c.983AAG[1], p.Glu329del (NM_001323419.2); short protein forms E541del, E329del, E428del, E506del, E430del, E539del.
Identifiers: ClinVar variation 422953 (VCV000422953.2), dbSNP rs1064796119, ClinGen allele CA16619086.
Genomic context (GRCh38, chr10:95,614,142, plus strand): 5'-TGGGAAGAGCCACGTGGAATGATCAGATCTATCATTTTGTCTAGGCGGCAAAGATCTTCA[ACTT>A]CTTCTCTGGTATTCACCTTTAGAAGGAAAGAAGAAAAAGATAAAGATGACATCTGACCAC-3'